The following is an entry in ClinVar:

NM_000222.3(KIT):c.488T>A (p.Ile163Asn)

Gene: KIT (KIT proto-oncogene, receptor tyrosine kinase; plus strand). Cytogenetic location: 4q12.
Variant type: single nucleotide variant.
Coding change: c.488T>A on transcript NM_000222.3 (MANE Select); coding-DNA position 488, T replaced by A.
Protein change: p.Ile163Asn; replaces isoleucine 163 with asparagine.
Molecular consequence: missense variant.
Genome position (GRCh38, 1-based): chr4:54,698,434, T>A. VCF-style: chr4-54698434-T-A. GRCh37 (hg19) VCF-style: chr4-55564600-T-A.
Other names: c.488T>A, p.Ile163Asn (NM_001093772.2, NM_001385284.1, NM_001385285.1 and 4 more transcripts); short protein forms I163N.
Identifiers: ClinVar variation 3230686 (VCV003230686.2), dbSNP rs2109673327, ClinGen allele CA356897693.

ClinVar aggregate classification (germline): Uncertain significance. Review status: criteria provided, multiple submitters, no conflicts (2 of 4 stars). 2 submissions from 2 submitters: Uncertain significance (2). Last evaluated 2025-10-29.

Conditions:
Hereditary cancer-predisposing syndrome. Also called: Neoplastic Syndromes, Hereditary; Tumor predisposition; Hereditary Cancer Syndrome; Hereditary neoplastic syndrome. Identifiers: Orphanet 140162, MedGen C0027672, MeSH D009386, MONDO:0015356.
Gastrointestinal stromal tumor. Also called: Gastrointestinal stromal tumor, somatic; Gastrointestinal stroma tumor. Identifiers: Orphanet 44890, MedGen C0238198, MeSH D046152, MONDO:0011719, OMIM 606764, HP:0100723.

Submissions (2):

Labcorp Genetics (formerly Invitae), Labcorp
Classification: Uncertain significance for Gastrointestinal stromal tumor. Last evaluated: 2025-10-29. Review status: criteria provided, single submitter. Criteria: Invitae Variant Classification Sherloc (09022015). Collection method: clinical testing. Allele origin: germline.
Comment: This sequence change replaces isoleucine, which is neutral and non-polar, with asparagine, which is neutral and polar, at codon 163 of the KIT protein (p.Ile163Asn). This variant is not present in population databases (gnomAD no frequency). This variant has not been reported in the literature in individuals affected with KIT-related conditions. ClinVar contains an entry for this variant (Variation ID: 3230686). An algorithm developed to predict the effect of missense changes on protein structure and function (PolyPhen-2) suggests that this variant is likely to be tolerated. In summary, the available evidence is currently insufficient to determine the role of this variant in disease. Therefore, it has been classified as a Variant of Uncertain Significance.

Ambry Genetics
Classification: Uncertain significance for Hereditary cancer-predisposing syndrome. Last evaluated: 2023-10-01. Review status: criteria provided, single submitter. Criteria: Ambry Variant Classification Scheme 2023. Collection method: clinical testing. Allele origin: germline.
Comment: The p.I163N variant (also known as c.488T>A), located in coding exon 3 of the KIT gene, results from a T to A substitution at nucleotide position 488. The isoleucine at codon 163 is replaced by asparagine, an amino acid with dissimilar properties. This amino acid position is conserved. In addition, this alteration is predicted to be tolerated by in silico analysis. Since supporting evidence is limited at this time, the clinical significance of this alteration remains unclear.